The following is an entry in ClinVar:

NM_014297.5(ETHE1):c.61del (p.Ala21fs)

Gene: ETHE1 (ETHE1 persulfide dioxygenase; minus strand). Cytogenetic location: 19q13.31.
Variant type: Deletion.
Coding change: c.61del on transcript NM_014297.5 (MANE Select); coding-DNA position 61, one base deleted (G; older notation c.61delG).
Protein change: p.Ala21fs; shifts the reading frame from alanine 21.
Molecular consequence: frameshift variant. On other transcripts: 5 prime UTR variant (1).
Genome position (GRCh38, 1-based): chr19:43,527,117, C deleted on the plus strand (G on the coding strand, the reverse complement: ETHE1 is on the minus strand). VCF-style (leftmost placement, unchanged base first): chr19-43527116-GC-G. GRCh37 (hg19) VCF-style: chr19-44031268-GC-G.
Other names: c.61del, p.Ala21fs (NM_001320867.2, NM_001320869.2); c.-160del (NM_001320868.2); short protein forms A21fs.
Identifiers: ClinVar variation 2843998 (VCV002843998.3), dbSNP rs2513631633, ClinGen allele CA2739276878.
Genomic context (GRCh38, chr19:43,527,116, plus strand): 5'-CTAGTGCCCAGCAGTCCCCTCCTAGGTCCAGCCACCCGCACCTGCCGCAGGAGGATGGGG[GC>G]TCCAGACCCGCCGCGCTGGCTCAGCTGCCGCCGGGCGACCCTCAGTACAGCCTCCGCCAT-3'

ClinVar aggregate classification (germline): Pathogenic (1 of 4 stars; one submission).

Conditions:
Ethylmalonic encephalopathy (EE). Also called: EPEMA syndrome; Encephalopathy, petechiae, and ethylmalonic aciduria; Syndrome of encephalopathy, petechiae, and ethylmalonic aciduria. Identifiers: Orphanet 51188, MedGen C1865349, MONDO:0011229, OMIM 602473. Disease mechanism: loss of function.

Submission:

Labcorp Genetics (formerly Invitae), Labcorp
Classification: Pathogenic for Ethylmalonic encephalopathy. Last evaluated: 2023-03-08. Review status: criteria provided, single submitter. Criteria: Invitae Variant Classification Sherloc (09022015). Collection method: clinical testing. Allele origin: germline.
Comment: For these reasons, this variant has been classified as Pathogenic. This variant has not been reported in the literature in individuals affected with ETHE1-related conditions. This variant is not present in population databases (gnomAD no frequency). This sequence change creates a premature translational stop signal (p.Ala21Profs*12) in the ETHE1 gene. It is expected to result in an absent or disrupted protein product. Loss-of-function variants in ETHE1 are known to be pathogenic (PMID: 14732903, 19136963).

Literature cited by the submitters: PubMed 14732903; PubMed 19136963.